The following is an entry in ClinVar:

NM_138295.5(PKD1L1):c.4771C>T (p.Leu1591Phe)

Gene: PKD1L1 (polycystin 1 like 1, transient receptor potential channel interacting; minus strand). Cytogenetic location: 7p12.3.
Variant type: single nucleotide variant.
Coding change: c.4771C>T on transcript NM_138295.5 (MANE Select); coding-DNA position 4771, C replaced by T.
Protein change: p.Leu1591Phe; replaces leucine 1591 with phenylalanine.
Molecular consequence: missense variant.
Genome position (GRCh38, 1-based): chr7:47,854,970, G>A on the plus strand (C>T on the coding strand, the complement: PKD1L1 is on the minus strand). VCF-style: chr7-47854970-G-A. GRCh37 (hg19) VCF-style: chr7-47894568-G-A.
Other names: short protein forms L1591F.
Identifiers: ClinVar variation 4988767 (VCV004988767.1).

ClinVar aggregate classification (germline): Uncertain significance (1 of 4 stars; one submission).

Conditions:
PKD1L1-related disorder. Also called: PKD1L1-related condition.

gnomAD v4.1: 7 of 1,613,968 alleles (0.00043%); highest among the groups gnomAD compares: African/African-American, 0.0013%; no homozygotes.

Submission:

PreventionGenetics, part of Exact Sciences
Classification: Uncertain significance for PKD1L1-related condition. Last evaluated: 2025-07-09. Review status: criteria provided, single submitter. Criteria: ACMG Guidelines, 2015. Collection method: clinical testing. Allele origin: germline.
Comment: The PKD1L1 c.4771C>T variant is predicted to result in the amino acid substitution p.Leu1591Phe. To our knowledge, this variant has not been reported in the literature or in a large population database (gnomAD), indicating this variant is rare. At this time, the clinical significance of this variant is uncertain due to the absence of conclusive functional and genetic evidence.